The following is an entry in ClinVar:

NM_007294.4(BRCA1):c.2768T>C (p.Val923Ala)

Gene: BRCA1 (BRCA1 DNA repair associated; minus strand). Cytogenetic location: 17q21.31.
Variant type: single nucleotide variant.
Coding change: c.2768T>C on transcript NM_007294.4 (MANE Select); coding-DNA position 2768, T replaced by C.
Protein change: p.Val923Ala; replaces valine 923 with alanine.
Molecular consequence: missense variant. On other transcripts: intron variant (137).
Genome position (GRCh38, 1-based): chr17:43,092,763, A>G on the plus strand (T>C on the coding strand, the complement: BRCA1 is on the minus strand). VCF-style: chr17-43092763-A-G. GRCh37 (hg19) VCF-style: chr17-41244780-A-G.
Other names: c.668-1731T>C (NM_001408424.1, NM_001408421.1, NM_001408431.1); c.785-1731T>C (NM_001408407.1, NM_001408402.1, NM_001408473.1 and 13 more transcripts); c.665-1731T>C (NM_001408443.1, NM_001408439.1, NM_001408425.1 and 12 more transcripts); c.671-1731T>C (NM_001408419.1, NM_001408422.1, NM_001408423.1 and 2 more transcripts); c.707-1731T>C (NM_001408416.1, NM_001408413.1); c.578-1731T>C (NM_001408484.1, NM_001408478.1, NM_001408482.1 and 9 more transcripts); c.662-1731T>C (NM_001408450.1, NM_001408434.1, NM_001408446.1 and 6 more transcripts); c.788-1731T>C (NM_001407971.1, NM_001408403.1, NM_001407983.1 and 17 more transcripts); and 41 more; short protein forms V876A, V923A, V796A, V811A, V835A, V852A, V856A, V881A.
Identifiers: ClinVar variation 861761 (VCV000861761.13), dbSNP rs2053698662, ClinGen allele CA10596456.

ClinVar aggregate classification (germline): Conflicting classifications of pathogenicity. Review status: criteria provided, conflicting classifications (1 of 4 stars). 2 submissions from 2 submitters: Uncertain significance (1); Likely benign (1). Last evaluated 2023-03-23.

Conditions:
Hereditary breast ovarian cancer syndrome. Also called: Hereditary breast and ovarian cancer; Breast and ovarian cancer; Hereditary breast and/or ovarian cancer syndrome; Hereditary breast and ovarian cancer syndrome; Hereditary breast and ovarian cancer syndrome (HBOC); BRCA1- and BRCA2-Associated Hereditary Breast and Ovarian Cancer. Identifiers: Orphanet 145, MedGen C0677776, MeSH D061325, MONDO:0003582. Disease mechanism: loss of function.
Hereditary cancer-predisposing syndrome. Also called: Tumor predisposition; Hereditary neoplastic syndrome; Neoplastic Syndromes, Hereditary; Hereditary Cancer Syndrome. Identifiers: Orphanet 140162, MedGen C0027672, MeSH D009386, MONDO:0015356.

Submissions (2):

University of Washington Department of Laboratory Medicine, University of Washington
Classification: Likely benign for Hereditary cancer-predisposing syndrome. Last evaluated: 2023-03-23. Review status: criteria provided, single submitter. Criteria: Dines et al. (Genet Med. 2020). Collection method: curation. Allele origin: germline.
Comment: Missense variant in a coldspot region where missense variants are very unlikely to be pathogenic (PMID:31911673).

BRCA1 coldspot (exon 11 using historical exon numbering). Reclassification based on statistical prior probability

Labcorp Genetics (formerly Invitae), Labcorp
Classification: Uncertain significance for Hereditary breast ovarian cancer syndrome. Last evaluated: 2019-04-01. Review status: criteria provided, single submitter. Criteria: Invitae Variant Classification Sherloc (09022015). Collection method: clinical testing. Allele origin: germline.
Comment: In summary, the available evidence is currently insufficient to determine the role of this variant in disease. Therefore, it has been classified as a Variant of Uncertain Significance. This sequence change replaces valine with alanine at codon 923 of the BRCA1 protein (p.Val923Ala). The valine residue is weakly conserved and there is a small physicochemical difference between valine and alanine. This variant is not present in population databases (ExAC no frequency). This variant has not been reported in the literature in individuals with BRCA1-related conditions. Algorithms developed to predict the effect of missense changes on protein structure and function output the following: SIFT: "Tolerated"; PolyPhen-2: "Benign"; Align-GVGD: "Class C0". The alanine amino acid residue is found in multiple mammalian species, suggesting that this missense change does not adversely affect protein function. These predictions have not been confirmed by published functional studies and their clinical significance is uncertain.